The following is an entry in ClinVar:

ClinVar aggregate classification (germline): Conflicting classifications of pathogenicity. Review status: criteria provided, conflicting classifications (1 of 4 stars). 12 submissions from 12 submitters: Uncertain significance (4); Benign (1); Likely benign (5). 2 of the submissions do not count toward it. Last evaluated 2026-04-27.

Conditions:
LAMA2-related disorder. Also called: LAMA2-related condition; LAMA2-related disorders.
LAMA2-related muscular dystrophy (LAMA2-RD). Also called: Laminin alpha 2-related dystrophy. Identifiers: MedGen C5679788, MONDO:0100228.
Congenital muscular dystrophy due to partial LAMA2 deficiency. Identifiers: MedGen C1842898.

Allele frequency attached by ClinVar (database versions not stated): 1000 Genomes Project 0.00020; 1000 Genomes Project 30x 0.00031; gnomAD 0.00086 and 0.00092; TOPMed 0.00100; gnomAD exomes 0.00106 and 0.00122; ExAC 0.00114; ESP Exome Variant Server 0.00123.
gnomAD v4.1: 1,924 of 1,612,440 alleles (0.12%); highest among the groups gnomAD compares: Middle Eastern, 0.4%; 4 homozygotes.

Submissions (12):

PreventionGenetics, part of Exact Sciences
Classification: Likely benign for LAMA2-related condition. Last evaluated: 2026-04-27. Review status: criteria provided, single submitter. Criteria: ACMG Guidelines, 2015. Collection method: clinical testing. Allele origin: germline.
Comment: This variant is classified as likely benign based on ACMG/AMP sequence variant interpretation guidelines (Richards et al. 2015 PMID: 25741868, with internal and published modifications).

Labcorp Genetics (formerly Invitae), Labcorp
Classification: Benign for LAMA2-related muscular dystrophy. Last evaluated: 2026-01-28. Review status: criteria provided, single submitter. Criteria: Invitae Variant Classification Sherloc (09022015). Collection method: clinical testing. Allele origin: germline.

CeGaT Center for Human Genetics Tuebingen
Classification: Likely benign. Last evaluated: 2025-11-01. Review status: criteria provided, single submitter. Criteria: CeGaT Center For Human Genetics Tuebingen Variant Classification Criteria Version 2. Collection method: clinical testing. Allele origin: germline. Affected: yes. Observed: 10 variant alleles.
Comment: LAMA2: BS2

Mayo Clinic Laboratories, Mayo Clinic
Classification: Likely benign. Last evaluated: 2025-07-29. Review status: criteria provided, single submitter. Criteria: ACMG Guidelines, 2015. Collection method: clinical testing. Allele origin: germline. Observed: 8 variant alleles.
Comment: BS1, BP4

Blueprint Genetics
Classification: Likely benign. Last evaluated: 2024-11-06. Review status: criteria provided, single submitter. Criteria: ACMG Guidelines, 2015. Collection method: clinical testing. Allele origin: germline.

Genetic Services Laboratory, University of Chicago
Classification: Uncertain significance. Last evaluated: 2019-03-05. Review status: criteria provided, single submitter. Criteria: ACMG Guidelines, 2015. Collection method: clinical testing. Allele origin: germline. Affected: no.

Athena Diagnostics
Classification: Uncertain significance. Last evaluated: 2018-06-22. Review status: criteria provided, single submitter. Criteria: Athena Diagnostics Criteria. Collection method: clinical testing. Allele origin: germline.

GeneDx
Classification: Likely benign. Last evaluated: 2018-02-27. Review status: criteria provided, single submitter. Criteria: GeneDx Variant Classification (06012015). Collection method: clinical testing. Allele origin: germline. Affected: yes.
Comment: This variant is considered likely benign or benign based on one or more of the following criteria: it is a conservative change, it occurs at a poorly conserved position in the protein, it is predicted to be benign by multiple in silico algorithms, and/or has population frequency not consistent with disease.

Illumina Laboratory Services, Illumina
Classification: Uncertain significance for Congenital muscular dystrophy due to partial LAMA2 deficiency. Last evaluated: 2018-01-12. Review status: criteria provided, single submitter. Criteria: ICSL Variant Classification Criteria 13 December 2019. Collection method: clinical testing. Allele origin: germline.

Center for Pediatric Genomic Medicine, Children's Mercy Hospital and Clinics
Classification: Uncertain significance. Last evaluated: 2015-05-29. Review status: criteria provided, single submitter. Criteria: ACMG Guidelines, 2015. Collection method: clinical testing. Allele origin: germline.
ClinVar note: Converted during submission from Uncertain Significance to Uncertain significance.

Clinical Genetics DNA and cytogenetics Diagnostics Lab, Erasmus MC, Erasmus Medical Center
Classification: Uncertain significance. Review status: no assertion criteria provided. Collection method: clinical testing. Allele origin: germline. Affected: yes. Study: VKGL Data-share Consensus. Not counted in ClinVar's aggregate classification.

Laboratory of Diagnostic Genome Analysis, Leiden University Medical Center (LUMC)
Classification: Uncertain significance. Review status: no assertion criteria provided. Collection method: clinical testing. Allele origin: germline. Affected: yes. Study: VKGL Data-share Consensus. Not counted in ClinVar's aggregate classification.

Literature cited by the submitters: PubMed 35885997 (cited by Mayo Clinic Laboratories, Mayo Clinic).

NM_000426.4(LAMA2):c.922G>A (p.Glu308Lys)

Gene: LAMA2 (laminin subunit alpha 2; plus strand). Cytogenetic location: 6q22.33.
Variant type: single nucleotide variant.
Coding change: c.922G>A on transcript NM_000426.4 (MANE Select); coding-DNA position 922, G replaced by A.
Protein change: p.Glu308Lys; replaces glutamic acid 308 with lysine.
Molecular consequence: missense variant.
Genome position (GRCh38, 1-based): chr6:129,148,991, G>A. VCF-style: chr6-129148991-G-A. GRCh37 (hg19) VCF-style: chr6-129470136-G-A.
Other names: p.Glu308Lys; c.922G>A, p.Glu308Lys (NM_001079823.2); short protein forms E308K.
Identifiers: ClinVar variation 235618 (VCV000235618.87), dbSNP rs146462599, ClinGen allele CA3992479.